The following is an entry in ClinVar:

NM_018979.4(WNK1):c.641T>C (p.Met214Thr)

Gene: WNK1 (WNK lysine deficient protein kinase 1; plus strand). Cytogenetic location: 12p13.33.
Variant type: single nucleotide variant.
Coding change: c.641T>C on transcript NM_018979.4 (MANE Select); coding-DNA position 641, T replaced by C.
Protein change: p.Met214Thr; replaces methionine 214 with threonine.
Molecular consequence: missense variant.
Genome position (GRCh38, 1-based): chr12:754,206, T>C. VCF-style: chr12-754206-T-C. GRCh37 (hg19) VCF-style: chr12-863372-T-C.
Other names: c.641T>C, p.Met214Thr (NM_001184985.2, NM_014823.3, NM_213655.5); short protein forms M214T.
Identifiers: ClinVar variation 2938924 (VCV002938924.3), dbSNP rs2547370250, ClinGen allele CA383307950.

ClinVar aggregate classification (germline): Uncertain significance (1 of 4 stars; one submission).

Conditions:
Neuropathy, hereditary sensory and autonomic, type 2A (HSAN2A). Also called: ACROOSTEOLYSIS, GIACCAI TYPE; ACROOSTEOLYSIS, NEUROGENIC; MORVAN DISEASE; NEUROPATHY, CONGENITAL SENSORY; NEUROPATHY, HEREDITARY SENSORY RADICULAR, AUTOSOMAL RECESSIVE; NEUROPATHY, HEREDITARY SENSORY, TYPE IIA. Identifiers: Orphanet 970, MedGen C2752089, MONDO:0024309, OMIM 201300.
Pseudohypoaldosteronism type 2C (PHA2C). Also called: Pseudohypoaldosteronism Type IIC. Identifiers: Orphanet 757, Orphanet 88940, MedGen C1840391, MONDO:0013778, OMIM 614492.

Submission:

Labcorp Genetics (formerly Invitae), Labcorp
Classification: Uncertain significance for Neuropathy, hereditary sensory and autonomic, type 2A; Pseudohypoaldosteronism type 2C. Last evaluated: 2024-02-18. Review status: criteria provided, single submitter. Criteria: Invitae Variant Classification Sherloc (09022015). Collection method: clinical testing. Allele origin: germline.
Comment: This sequence change replaces methionine, which is neutral and non-polar, with threonine, which is neutral and polar, at codon 214 of the WNK1 protein (p.Met214Thr). This variant is not present in population databases (gnomAD no frequency). This variant has not been reported in the literature in individuals affected with WNK1-related conditions. Advanced modeling of protein sequence and biophysical properties (such as structural, functional, and spatial information, amino acid conservation, physicochemical variation, residue mobility, and thermodynamic stability) performed at Invitae indicates that this missense variant is not expected to disrupt WNK1 protein function with a negative predictive value of 95%. In summary, the available evidence is currently insufficient to determine the role of this variant in disease. Therefore, it has been classified as a Variant of Uncertain Significance.